The following is an entry in ClinVar:

ClinVar aggregate classification (germline): Likely benign (1 of 4 stars; one submission).

Submission:

CeGaT Center for Human Genetics Tuebingen
Classification: Likely benign. Last evaluated: 2026-05-01. Review status: criteria provided, single submitter. Criteria: CeGaT Center For Human Genetics Tuebingen Variant Classification Criteria Version 2. Collection method: clinical testing. Allele origin: germline. Affected: yes. Observed: 1 variant allele.
Comment: PLXNB2: BP4, BP7

NM_012401.4(PLXNB2):c.240G>A (p.Pro80=)

Gene: PLXNB2 (plexin B2; minus strand). Cytogenetic location: 22q13.33.
Variant type: single nucleotide variant.
Coding change: c.240G>A on transcript NM_012401.4 (MANE Select); coding-DNA position 240, G replaced by A.
Protein change: p.Pro80=; no amino-acid change (proline 80 retained).
Molecular consequence: synonymous variant.
Genome position (GRCh38, 1-based): chr22:50,290,345, C>T on the plus strand (G>A on the coding strand, the complement: PLXNB2 is on the minus strand). VCF-style: chr22-50290345-C-T. GRCh37 (hg19) VCF-style: chr22-50728774-C-T.
Other names: c.240G>A, p.Pro80= (NM_001376864.1, NM_001376865.1, NM_001376866.1 and 20 more transcripts).
Identifiers: ClinVar variation 4873725 (VCV004873725.2).